The following is an entry in ClinVar:

NM_002519.3(NPAT):c.2428A>G (p.Met810Val)

Gene: NPAT (nuclear protein, coactivator of histone transcription; minus strand). Cytogenetic location: 11q22.3.
Variant type: single nucleotide variant.
Coding change: c.2428A>G on transcript NM_002519.3 (MANE Select); coding-DNA position 2428, A replaced by G.
Protein change: p.Met810Val; replaces methionine 810 with valine.
Molecular consequence: missense variant.
Genome position (GRCh38, 1-based): chr11:108,172,556, T>C on the plus strand (A>G on the coding strand, the complement: NPAT is on the minus strand). VCF-style: chr11-108172556-T-C. GRCh37 (hg19) VCF-style: chr11-108043283-T-C.
Other names: c.2428A>G, p.Met810Val (NM_001321307.1); c.2428A>G (NM_002519.2); short protein forms M810V.
Identifiers: ClinVar variation 1977350 (VCV001977350.6), dbSNP rs769131892, ClinGen allele CA6263813.
Genomic context (GRCh38, chr11:108,172,556, plus strand): 5'-CATTCTGAGTATTGTTTACTGCAGAGTCTTCAGATTTGAATGTTAAAAGACTCTGTTCCA[T>C]TGAGGCTGAATCCCCTACTTCGGCATATACAACAGCACCTACAGTTTCTTCTGAAGATAG-3'
Protein context (NP_002510.2, residues 800-820): VYAEVGDSAS[Met810Val]EQSLLTFKSE

ClinVar aggregate classification (germline): Conflicting classifications of pathogenicity. Review status: criteria provided, conflicting classifications (1 of 4 stars). 2 submissions from 2 submitters: Uncertain significance (1); Likely benign (1). Last evaluated 2025-08-02.

Allele frequency attached by ClinVar (database versions not stated): ExAC 0.00001; gnomAD exomes 0.00002; gnomAD 0.00003; TOPMed 0.00003.
gnomAD v4.1: 31 of 1,614,202 alleles (0.0019%); highest among the groups gnomAD compares: East Asian, 0.058%; no homozygotes.

Submissions (2):

Labcorp Genetics (formerly Invitae), Labcorp
Classification: Uncertain significance. Last evaluated: 2025-08-02. Review status: criteria provided, single submitter. Criteria: Invitae Variant Classification Sherloc (09022015). Collection method: clinical testing. Allele origin: germline.
Comment: This sequence change replaces methionine, which is neutral and non-polar, with valine, which is neutral and non-polar, at codon 810 of the NPAT protein (p.Met810Val). This variant is present in population databases (rs769131892, gnomAD 0.06%). This variant has not been reported in the literature in individuals affected with NPAT-related conditions. ClinVar contains an entry for this variant (Variation ID: 1977350). An algorithm developed to predict the effect of missense changes on protein structure and function outputs the following: PolyPhen-2: "Benign". The valine amino acid residue is found in multiple mammalian species, which suggests that this missense change does not adversely affect protein function. In summary, the available evidence is currently insufficient to determine the role of this variant in disease. Therefore, it has been classified as a Variant of Uncertain Significance.

Ambry Genetics
Classification: Likely benign. Last evaluated: 2024-02-12. Review status: criteria provided, single submitter. Criteria: Ambry Variant Classification Scheme 2023. Collection method: clinical testing. Allele origin: germline.